The following is an entry in ClinVar:

ClinVar aggregate classification (germline): Uncertain significance (1 of 4 stars; one submission).

Conditions:
Inborn genetic diseases. Identifiers: MedGen C0950123, MeSH D030342.

Submission:

Ambry Genetics
Classification: Uncertain significance for Inborn genetic diseases. Last evaluated: 2024-02-25. Review status: criteria provided, single submitter. Criteria: Ambry Variant Classification Scheme 2023. Collection method: clinical testing. Allele origin: germline.
Comment: The p.R14S variant (also known as c.42G>C), located in coding exon 2 of the EPAS1 gene, results from a G to C substitution at nucleotide position 42. The arginine at codon 14 is replaced by serine, an amino acid with dissimilar properties. This amino acid position is conserved. In addition, this alteration is predicted to be tolerated by in silico analysis. Based on the available evidence, the clinical significance of this alteration remains unclear.

NM_001430.5(EPAS1):c.42G>C (p.Arg14Ser)

Gene: EPAS1 (endothelial PAS domain protein 1; plus strand). Cytogenetic location: 2p21.
Variant type: single nucleotide variant.
Coding change: c.42G>C on transcript NM_001430.5 (MANE Select); coding-DNA position 42, G replaced by C.
Protein change: p.Arg14Ser; replaces arginine 14 with serine.
Molecular consequence: missense variant.
Genome position (GRCh38, 1-based): chr2:46,346,888, G>C. VCF-style: chr2-46346888-G-C. GRCh37 (hg19) VCF-style: chr2-46574027-G-C.
Other names: short protein forms R14S.
Identifiers: ClinVar variation 3221652 (VCV003221652.1), dbSNP rs2546439756, ClinGen allele CA346696803.